The following is an entry in ClinVar:

ClinVar aggregate classification (germline): Pathogenic (1 of 4 stars; one submission).

Conditions:
Autosomal recessive polycystic kidney disease (ARPKD). Also called: AR polycystic kidney disease. Identifiers: Orphanet 731, Orphanet 8378, MedGen C0085548, MeSH D017044, MONDO:0009889.

Submission:

Labcorp Genetics (formerly Invitae), Labcorp
Classification: Pathogenic for Autosomal recessive polycystic kidney disease. Last evaluated: 2023-12-15. Review status: criteria provided, single submitter. Criteria: Invitae Variant Classification Sherloc (09022015). Collection method: clinical testing. Allele origin: unknown.
Comment: This variant is a gross deletion of the genomic region encompassing exon(s) 24 of the PKHD1 gene. This deletion is out-of-frame, and is expected to create a premature termination codon and result in an absent or disrupted protein product. Loss-of-function variants in PKHD1 are known to be pathogenic (PMID: 19940839). This variant has not been reported in the literature in individuals affected with PKHD1-related conditions. For these reasons, this variant has been classified as Pathogenic.

Literature cited by the submitters: PubMed 19940839.

NC_000006.11:g.(?_51910782)_(51911006_?)del

Gene: PKHD1 (PKHD1 ciliary IPT domain containing fibrocystin/polyductin; minus strand). Cytogenetic location: 6p12.2.
Variant type: Deletion.
Identifiers: ClinVar variation 3245957 (VCV003245957.1).